The following is an entry in ClinVar:

NM_020964.3(EPG5):c.444_445delinsTT (p.Gln148_Gly149delinsHisCys)

Gene: EPG5 (ectopic P-granules 5 autophagy tethering factor; minus strand). Cytogenetic location: 18q21.1.
Variant type: Indel.
Coding change: c.444_445delinsTT on transcript NM_020964.3 (MANE Select); coding-DNA positions 444 to 445, AG replaced by TT.
Protein change: p.Gln148_Gly149delinsHisCys.
Molecular consequence: missense variant.
Genome position (GRCh38, 1-based): chr18:45,954,957-45,954,958, CT replaced by AA on the plus strand (AG replaced by TT on the coding strand, the reverse complement: EPG5 is on the minus strand). VCF-style: chr18-45954957-CT-AA. GRCh37 (hg19) VCF-style: chr18-43534923-CT-AA.
Identifiers: ClinVar variation 1515299 (VCV001515299.4), dbSNP rs2143789374, ClinGen allele CA2573155351.

ClinVar aggregate classification (germline): Uncertain significance (1 of 4 stars; one submission).

Conditions:
Vici syndrome (VICIS). Identifiers: Orphanet 1493, MedGen C1855772, MONDO:0009452, OMIM 242840.

Submission:

Labcorp Genetics (formerly Invitae), Labcorp
Classification: Uncertain significance for Vici syndrome. Last evaluated: 2022-03-22. Review status: criteria provided, single submitter. Criteria: Invitae Variant Classification Sherloc (09022015). Collection method: clinical testing. Allele origin: germline.
Comment: This variant, c.444_445delinsTT, is a complex sequence change that results in the deletion of 2 and insertion of 2 amino acid(s) in the EPG5 protein (p.Gln148_Gly149delinsHisCys). Information on the frequency of this variant in the gnomAD database is not available, as this variant may be reported differently in the database. This variant has not been reported in the literature in individuals affected with EPG5-related conditions. Experimental studies and prediction algorithms are not available or were not evaluated, and the functional significance of this variant is currently unknown. In summary, the available evidence is currently insufficient to determine the role of this variant in disease. Therefore, it has been classified as a Variant of Uncertain Significance.